The following is an entry in ClinVar:

NM_000057.4(BLM):c.859C>A (p.Pro287Thr)

Gene: BLM (BLM RecQ like helicase; plus strand). Cytogenetic location: 15q26.1.
Variant type: single nucleotide variant.
Coding change: c.859C>A on transcript NM_000057.4 (MANE Select); coding-DNA position 859, C replaced by A.
Protein change: p.Pro287Thr; replaces proline 287 with threonine.
Molecular consequence: missense variant. On other transcripts: 5 prime UTR variant (1).
Genome position (GRCh38, 1-based): chr15:90,751,846, C>A. VCF-style: chr15-90751846-C-A. GRCh37 (hg19) VCF-style: chr15-91295076-C-A.
Other names: c.859C>A, p.Pro287Thr (NM_001287246.2, NM_001287247.2); c.-433C>A (NM_001287248.2); short protein forms P287T.
Identifiers: ClinVar variation 1469085 (VCV001469085.8), dbSNP rs746748670, ClinGen allele CA393841744.

ClinVar aggregate classification (germline): Uncertain significance (1 of 4 stars; one submission).

Conditions:
Bloom syndrome (BLM). Also called: Bloom-Torre-Machacek syndrome. Identifiers: Orphanet 125, MedGen C0005859, MONDO:0008876, OMIM 210900.

Submission:

Labcorp Genetics (formerly Invitae), Labcorp
Classification: Uncertain significance for Bloom syndrome. Last evaluated: 2021-01-25. Review status: criteria provided, single submitter. Criteria: Invitae Variant Classification Sherloc (09022015). Collection method: clinical testing. Allele origin: germline.
Comment: This sequence change replaces proline with threonine at codon 287 of the BLM protein (p.Pro287Thr). The proline residue is weakly conserved and there is a small physicochemical difference between proline and threonine. This variant is not present in population databases (ExAC no frequency). This variant has not been reported in the literature in individuals with BLM-related conditions. Algorithms developed to predict the effect of missense changes on protein structure and function output the following: SIFT: "Tolerated"; PolyPhen-2: "Benign"; Align-GVGD: "Class C0". The threonine amino acid residue is found in multiple mammalian species, suggesting that this missense change does not adversely affect protein function. These predictions have not been confirmed by published functional studies and their clinical significance is uncertain. In summary, the available evidence is currently insufficient to determine the role of this variant in disease. Therefore, it has been classified as a Variant of Uncertain Significance.